The following is an entry in ClinVar:

NM_002049.4(GATA1):c.653A>G (p.Asp218Gly)

Gene: GATA1 (GATA binding protein 1; plus strand). Cytogenetic location: Xp11.23.
Variant type: single nucleotide variant.
Coding change: c.653A>G on transcript NM_002049.4 (MANE Select); coding-DNA position 653, A replaced by G.
Protein change: p.Asp218Gly; replaces aspartic acid 218 with glycine.
Molecular consequence: missense variant.
Genome position (GRCh38, 1-based): chrX:48,792,377, A>G. VCF-style: chrX-48792377-A-G. GRCh37 (hg19) VCF-style: chrX-48650784-A-G.
Other names: D218G.
Identifiers: ClinVar variation 10424 (VCV000010424.10), dbSNP rs104894816, ClinGen allele CA121064.
Genomic context (GRCh38, chrX:48,792,377, plus strand): 5'-CACCAGAGGCCAGGGAGTGTGTGAACTGCGGAGCAACAGCCACTCCACTGTGGCGGAGGG[A>G]CAGGACAGGCCACTACCTATGCAACGCCTGCGGCCTCTATCACAAGATGAATGGGCAGAA-3'
Protein context (NP_002040.1, residues 208-228): GATATPLWRR[Asp218Gly]RTGHYLCNAC

ClinVar aggregate classification (germline): Pathogenic/Likely pathogenic. Review status: criteria provided, multiple submitters, no conflicts (2 of 4 stars). 5 submissions from 5 submitters: Pathogenic (2); Likely pathogenic (1). 2 of the submissions do not count toward it. Last evaluated 2024-10-10.

Conditions:
Thrombocytopenia, X-linked, with or without dyserythropoietic anemia (XLTDA). Identifiers: Orphanet 67044, MedGen C3550789, MONDO:0010308, OMIM 300367.
Thrombocytopenia, X-linked, without dyserythropoietic anemia. Identifiers: MedGen C4016508.
Thrombocytopenia. Identifiers: MedGen C0040034, MeSH D013921, MONDO:0002049, HP:0001873.

Submissions (5):

Victorian Clinical Genetics Services, Murdoch Childrens Research Institute
Classification: Pathogenic for Thrombocytopenia, X-linked, with or without dyserythropoietic anemia. Last evaluated: 2024-10-10. Review status: criteria provided, single submitter. Criteria: ACMG Guidelines, 2015. Collection method: clinical testing. Allele origin: germline. Inheritance: X-linked recessive inheritance. Affected: yes.
Comment: Based on the classification scheme VCGS_Germline_v1.3.5, this variant is classified as Pathogenic. Following criteria are met: 0102 - Loss of function is a known mechanism of disease in this gene and is associated with GATA1-related X-linked cytopenia (MONDO#0100089). (I) 0109 - This gene is associated with X-linked disease. Although males are more severely affected, females can have a milder phenotype, composed of mild anaemia and thrombocytopenia (PMID: 33611093). (I) 0200 - Variant is predicted to result in a missense amino acid change from aspartic acid to glycine. (I) 0253 - This variant is hemizygous. (I) 0301 - Variant is absent from gnomAD (v2, v3 and v4). (SP) 0502 - Missense variant with conflicting in silico predictions and uninformative conservation. (I) 0603 - Missense variant in a region that is highly intolerant to missense variation (high constraint region in DECIPHER). (SP) 0704 - Another missense variant comparable to the one identified in this case has limited previous evidence for pathogenicity. p.(Asp218Asn) has been reported in individuals with macrothrombocytopenia (ClinVar, PMIDs: 23971719, 11809723). p.(Asp218Tyr) has been reported in individuals with severe macrothrombocytopenia, marked anaemia and early mobility, however, it is not considered comparable as it has a higher Grantham score, indicating a greater physicochemical difference (ClinVar, PMIDs: 11809723, 31652397). (SP) 0803 - This variant has limited previous evidence of pathogenicity in unrelated individuals. This variant has been reported in a large family with X-linked macrothrombocytopenia with no marked anaemia (PMID: 11418466). (SP) 0901 - This variant has strong evidence for segregation with disease. This variant has been shown to segregate with disease in a large family with X-linked macrothrombocytopenia with no marked anaemia (PMID: 11418466). (SP) 1002 - This variant has moderate functional evidence supporting abnormal protein function. Functional studies on patient platelets has shown that the binding between GATA1 and FOG1 is reduced (PMID: 12483298). (SP) 1208 - Inheritance information for this variant is not currently available in this individual. (I) Legend: (SP) - Supporting pathogenic, (I) - Information, (SB) - Supporting benign

NIHR Bioresource Rare Diseases, University of Cambridge
Classification: Likely pathogenic for Thrombocytopenia. Last evaluated: 2019-02-01. Review status: criteria provided, single submitter. Criteria: ACMG Guidelines, 2015. Collection method: research. Allele origin: unknown. Affected: yes. Observed: 1 hemizygote. Study: ThromboGenomics.

ISTH-SSC Genomics in Thrombosis and Hemostasis, KU Leuven, Center for Molecular and Vascular Biology
Classification: Pathogenic for Thrombocytopenia, X-linked, with or without dyserythropoietic anemia. Review status: criteria provided, single submitter. Criteria: ACMG Guidelines, 2015. Collection method: clinical testing. Allele origin: germline. Affected: yes. Observed: 1 hemizygote.
Comment: Submitted to the GoldVariant database by Kathleen Freson, Center for Molecular and Vascular Biology

OMIM
Classification: Pathogenic for THROMBOCYTOPENIA, X-LINKED, WITHOUT DYSERYTHROPOIETIC ANEMIA. Last evaluated: 2001-07-01. Review status: no assertion criteria provided. Collection method: literature only. Allele origin: germline. Not counted in ClinVar's aggregate classification.

GeneReviews
No classification provided. Condition: Thrombocytopenia, X-linked, with or without dyserythropoietic anemia. Review status: no classification provided. Collection method: literature only. Allele origin: germline. Not counted in ClinVar's aggregate classification.

Literature cited by the submitters: PubMed 11418466 (cited by Victorian Clinical Genetics Services, Murdoch Childrens Research Institute and OMIM); PubMed 11809723 (cited by Victorian Clinical Genetics Services, Murdoch Childrens Research Institute); PubMed 12483298 (cited by Victorian Clinical Genetics Services, Murdoch Childrens Research Institute); PubMed 23971719 (cited by Victorian Clinical Genetics Services, Murdoch Childrens Research Institute); PubMed 31652397 (cited by Victorian Clinical Genetics Services, Murdoch Childrens Research Institute); PubMed 33611093 (cited by Victorian Clinical Genetics Services, Murdoch Childrens Research Institute); PubMed 31064749 (cited by NIHR Bioresource Rare Diseases, University of Cambridge); NCBI Bookshelf NBK1364 (cited by GeneReviews); PubMed 20301538 (cited by GeneReviews).